The following is an entry in ClinVar:

ClinVar aggregate classification (germline): Uncertain significance. Review status: criteria provided, multiple submitters, no conflicts (2 of 4 stars). 2 submissions from 2 submitters: Uncertain significance (2). Last evaluated 2022-08-10.

Conditions:
Glaucoma 3, primary congenital, D. Identifiers: Orphanet 98976, MedGen C2751316, MONDO:0013122, OMIM 613086.
Microspherophakia and/or megalocornea, with ectopia lentis and with or without secondary glaucoma (MSPKA). Identifiers: Orphanet 238763, MedGen C3538951, MONDO:0009633, OMIM 251750.
Weill-Marchesani syndrome 3 (WMS3). Also called: LTBP2-Related Weill-Marchesani Syndrome; Weill-Marchesani syndrome 3, recessive. Identifiers: Orphanet 3449, MedGen C3553785, MONDO:0013899, OMIM 614819.
Glaucoma 3, primary infantile, B. Also called: GLC3B; GLAUCOMA, PRIMARY CONGENITAL, TYPE B; GLC3 type B; Primary congenital glaucoma type 3B; Glaucoma primary congenita type 3B. Identifiers: Orphanet 98976, MedGen C1832977, MONDO:0010968, OMIM 600975.

gnomAD v4.1: 25 of 1,613,872 alleles (0.0015%); highest among the groups gnomAD compares: Non-Finnish European, 0.002%; no homozygotes.

Submissions (2):

Labcorp Genetics (formerly Invitae), Labcorp
Classification: Uncertain significance. Last evaluated: 2022-08-10. Review status: criteria provided, single submitter. Criteria: Invitae Variant Classification Sherloc (09022015). Collection method: clinical testing. Allele origin: germline.
Comment: This sequence change replaces threonine, which is neutral and polar, with alanine, which is neutral and non-polar, at codon 1505 of the LTBP2 protein (p.Thr1505Ala). This variant is not present in population databases (gnomAD no frequency). This variant has not been reported in the literature in individuals affected with LTBP2-related conditions. ClinVar contains an entry for this variant (Variation ID: 1481517). Algorithms developed to predict the effect of missense changes on protein structure and function are either unavailable or do not agree on the potential impact of this missense change (SIFT: "Tolerated"; PolyPhen-2: "Possibly Damaging"; Align-GVGD: "Class C0"). In summary, the available evidence is currently insufficient to determine the role of this variant in disease. Therefore, it has been classified as a Variant of Uncertain Significance.

Fulgent Genetics
Classification: Uncertain significance for Microspherophakia and/or megalocornea, with ectopia lentis and with or without secondary glaucoma; Glaucoma 3, primary infantile, B; Glaucoma 3, primary congenital, D; Weill-Marchesani syndrome 3. Last evaluated: 2021-08-11. Review status: criteria provided, single submitter. Criteria: ACMG Guidelines, 2015. Collection method: clinical testing. Allele origin: unknown.

NM_000428.3(LTBP2):c.4513A>G (p.Thr1505Ala)

Gene: LTBP2 (latent transforming growth factor beta binding protein 2; minus strand). Cytogenetic location: 14q24.3.
Variant type: single nucleotide variant.
Coding change: c.4513A>G on transcript NM_000428.3 (MANE Select); coding-DNA position 4513, A replaced by G.
Protein change: p.Thr1505Ala; replaces threonine 1505 with alanine.
Molecular consequence: missense variant.
Genome position (GRCh38, 1-based): chr14:74,503,995, T>C on the plus strand (A>G on the coding strand, the complement: LTBP2 is on the minus strand). VCF-style: chr14-74503995-T-C. GRCh37 (hg19) VCF-style: chr14-74970698-T-C.
Other names: short protein forms T1505A.
Identifiers: ClinVar variation 1481517 (VCV001481517.4), dbSNP rs758952168, ClinGen allele CA263579506.